The following is an entry in ClinVar:

NM_001366661.1(CLUH):c.1962-7dup

Gene: CLUH (clustered mitochondria homolog; minus strand). Cytogenetic location: 17p13.3.
Variant type: Duplication.
Coding change: c.1962-7dup on transcript NM_001366661.1 (MANE Select); 7 bases into the intron before coding-DNA position 1962, one base duplicated (G; older notation c.1962-7dupG).
Molecular consequence: intron variant.
Genome position (GRCh38, 1-based): chr17:2,696,949, C duplicated on the plus strand (G on the coding strand, the reverse complement: CLUH is on the minus strand). VCF-style (leftmost placement, unchanged base first): chr17-2696948-G-GC. GRCh37 (hg19) VCF-style: chr17-2600242-G-GC.
Other names: c.1848-7dup (NM_001366662.1); c.1962-7dup (NM_015229.4).
Identifiers: ClinVar variation 680425 (VCV000680425.1), dbSNP rs1597609527, ClinGen allele CA915949463.

ClinVar aggregate classification (germline): Likely benign (1 of 4 stars; one submission).

Allele frequency attached by ClinVar (database versions not stated): gnomAD exomes below 0.00001.

Submission:

GeneDx
Classification: Likely benign. Last evaluated: 2018-03-07. Review status: criteria provided, single submitter. Criteria: GeneDx Variant Classification (06012015). Collection method: clinical testing. Allele origin: germline. Affected: yes.
Comment: This variant is considered likely benign or benign based on one or more of the following criteria: it is a conservative change, it occurs at a poorly conserved position in the protein, it is predicted to be benign by multiple in silico algorithms, and/or has population frequency not consistent with disease.